The following is an entry in ClinVar:

NM_015080.4(NRXN2):c.3403+5495C>T

Gene: NRXN2 (neurexin 2; minus strand). Cytogenetic location: 11q13.1.
Variant type: single nucleotide variant.
Coding change: c.3403+5495C>T on transcript NM_015080.4 (MANE Select); 5495 bases into the intron after coding-DNA position 3403, C replaced by T.
Molecular consequence: intron variant. On other transcripts: missense variant (1).
Genome position (GRCh38, 1-based): chr11:64,642,724, G>A on the plus strand (C>T on the coding strand, the complement: NRXN2 is on the minus strand). VCF-style: chr11-64642724-G-A. GRCh37 (hg19) VCF-style: chr11-64410196-G-A.
Other names: c.80C>T, p.Pro27Leu (NM_138734.3); c.3283+5495C>T (NM_138732.3); c.3379+5495C>T (NM_001376266.1); c.3358+5495C>T (NM_001376265.1); c.3382+5495C>T (NM_001376267.1, NM_001376263.1); c.3403+5495C>T (NM_001376262.1); c.-34-124C>T (NM_001400682.1, NM_001400681.1); short protein forms P27L.
Identifiers: ClinVar variation 4533627 (VCV004533627.6).

ClinVar aggregate classification (germline): Likely benign (1 of 4 stars; one submission).

gnomAD v4.1: 1,851 of 1,446,432 alleles (0.13%); highest among the groups gnomAD compares: African/African-American, 0.98%; 12 homozygotes.

Submission:

CeGaT Center for Human Genetics Tuebingen
Classification: Likely benign. Last evaluated: 2026-04-01. Review status: criteria provided, single submitter. Criteria: CeGaT Center For Human Genetics Tuebingen Variant Classification Criteria Version 2. Collection method: clinical testing. Allele origin: germline. Affected: yes. Observed: 2 variant alleles.
Comment: NRXN2: BP4, BS2